The following is an entry in ClinVar:

NM_001303256.3(MORC2):c.1215-11_1215-10delinsCT

Gene: MORC2 (MORC family CW-type zinc finger 2; minus strand). Cytogenetic location: 22q12.2.
Variant type: Indel.
Coding change: c.1215-11_1215-10delinsCT on transcript NM_001303256.3 (MANE Select); 11 bases into the intron before coding-DNA position 1215 through 10 bases into the intron before coding-DNA position 1215, TC replaced by CT.
Molecular consequence: intron variant.
Genome position (GRCh38, 1-based): chr22:30,937,979-30,937,980, GA replaced by AG on the plus strand (TC replaced by CT on the coding strand, the reverse complement: MORC2 is on the minus strand). VCF-style: chr22-30937979-GA-AG. GRCh37 (hg19) VCF-style: chr22-31333966-GA-AG.
Other names: c.1215-11_1215-10delinsCT (NM_001303257.2); c.1029-11_1029-10delinsCT (NM_014941.3).
Identifiers: ClinVar variation 2115460 (VCV002115460.4), dbSNP rs2517590280, ClinGen allele CA2580099747.

ClinVar aggregate classification (germline): Uncertain significance (1 of 4 stars; one submission).

Conditions:
Charcot-Marie-Tooth disease axonal type 2Z. Also called: CHARCOT-MARIE-TOOTH DISEASE, AXONAL, AUTOSOMAL DOMINANT, TYPE 2Z; CHARCOT-MARIE-TOOTH NEUROPATHY, TYPE 2Z. Identifiers: Orphanet 466768, MedGen C5569025, MONDO:0014736, OMIM 616688.

Submission:

Labcorp Genetics (formerly Invitae), Labcorp
Classification: Uncertain significance for Charcot-Marie-Tooth disease axonal type 2Z. Last evaluated: 2022-03-20. Review status: criteria provided, single submitter. Criteria: Invitae Variant Classification Sherloc (09022015). Collection method: clinical testing. Allele origin: germline.
Comment: In summary, the available evidence is currently insufficient to determine the role of this variant in disease. Therefore, it has been classified as a Variant of Uncertain Significance. Experimental studies and prediction algorithms are not available or were not evaluated, and the effect of this variant on mRNA splicing is currently unknown. This variant has not been reported in the literature in individuals affected with MORC2-related conditions. Information on the frequency of this variant in the gnomAD database is not available, as this variant may be reported differently in the database. This sequence change falls in intron 13 of the MORC2 gene. It does not directly change the encoded amino acid sequence of the MORC2 protein.